The following is an entry in ClinVar:

NM_000744.7(CHRNA4):c.384-202A>C

Gene: CHRNA4 (cholinergic receptor nicotinic alpha 4 subunit; minus strand). Cytogenetic location: 20q13.33.
Variant type: single nucleotide variant.
Coding change: c.384-202A>C on transcript NM_000744.7 (MANE Select); 202 bases into the intron before coding-DNA position 384, A replaced by C.
Molecular consequence: intron variant.
Genome position (GRCh38, 1-based): chr20:63,351,229, T>G on the plus strand (A>C on the coding strand, the complement: CHRNA4 is on the minus strand). VCF-style: chr20-63351229-T-G. GRCh37 (hg19) VCF-style: chr20-61982581-T-G.
Other names: c.-145-202A>C (NM_001256573.2).
Identifiers: ClinVar variation 679901 (VCV000679901.1), dbSNP rs8115495, ClinGen allele CA317437014.
Genomic context (GRCh38, chr20:63,351,229, plus strand): 5'-CCACGCCCACATCCATGTCCCACGCCCACATCCACACCCACGTCCACGTCCACGCCCACA[T>G]CCACACCCACGTCCACGTCCACGTCCACGTCCACACACAGAGGCATTCTCACGTCACAGG-3'

ClinVar aggregate classification (germline): Benign (1 of 4 stars; one submission).

Allele frequency attached by ClinVar (database versions not stated): gnomAD 0.44902.

Submission:

GeneDx
Classification: Benign. Last evaluated: 2018-06-14. Review status: criteria provided, single submitter. Criteria: GeneDx Variant Classification (06012015). Collection method: clinical testing. Allele origin: germline. Affected: yes.
Comment: This variant is considered likely benign or benign based on one or more of the following criteria: it is a conservative change, it occurs at a poorly conserved position in the protein, it is predicted to be benign by multiple in silico algorithms, and/or has population frequency not consistent with disease.